The following is an entry in ClinVar:

NM_001846.4(COL4A2):c.1340-47C>T

Genes: COL4A2 (collagen type IV alpha 2 chain; plus strand), COL4A2-AS2 (COL4A2 antisense RNA 2; minus strand). Cytogenetic location: 13q34.
Variant type: single nucleotide variant.
Coding change: c.1340-47C>T on transcript NM_001846.4 (MANE Select); 47 bases into the intron before coding-DNA position 1340, C replaced by T.
Molecular consequence: intron variant. On other transcripts: non-coding transcript variant (1).
Genome position (GRCh38, 1-based): chr13:110,457,296, C>T. VCF-style: chr13-110457296-C-T. GRCh37 (hg19) VCF-style: chr13-111109643-C-T.
Identifiers: ClinVar variation 2643951 (VCV002643951.24), dbSNP rs112389576, ClinGen allele CA7049486.

ClinVar aggregate classification (germline): Likely benign (1 of 4 stars; one submission).

Allele frequency attached by ClinVar (database versions not stated): ExAC 0.00002; gnomAD exomes 0.00004; gnomAD 0.00024; ESP Exome Variant Server 0.00369; 1000 Genomes Project 0.00539.
gnomAD v4.1: 66 of 1,127,060 alleles (0.0059%); highest among the groups gnomAD compares: African/African-American, 0.077%; no homozygotes.

Submission:

CeGaT Center for Human Genetics Tuebingen
Classification: Likely benign. Last evaluated: 2022-06-01. Review status: criteria provided, single submitter. Criteria: CeGaT Center For Human Genetics Tuebingen Variant Classification Criteria Version 2. Collection method: clinical testing. Allele origin: germline. Affected: yes. Observed: 1 variant allele.
Comment: COL4A2-AS2: BP4, BP7